The following is an entry in ClinVar:

NC_012920.1(MT-TL2):m.12285T>C

Gene: MT-TL2 (mitochondrially encoded tRNA leucine 2 (CUN); plus strand).
Variant type: single nucleotide variant.
Genome position: chrM-12285-T-C.
Identifiers: ClinVar variation 690187 (VCV000690187.1), dbSNP rs386419957, ClinGen allele CA337099432.
Genomic context (GRCh38, chrMT:12,285, plus strand): 5'-TGCTAACTCATGCCCCCATGTCTAACAACATGGCTTTCTCAACTTTTAAAGGATAACAGC[T>C]ATCCATTGGTCTTAGGCCCCAAAAATTTTGGTGCAACTCCAAATAAAAGTAATAACCATG-3'

ClinVar aggregate classification (germline): Benign (1 of 4 stars; one submission).

Conditions:
MELAS syndrome (MELAS). Also called: Juvenile myopathy, encephalopathy, lactic acidosis, stroke. Identifiers: Orphanet 550, MedGen C0162671, MONDO:0010789, OMIM 540000.

Submission:

Wong Mito Lab, Molecular and Human Genetics, Baylor College of Medicine
Classification: Benign for MELAS syndrome. Last evaluated: 2019-07-12. Review status: criteria provided, single submitter. Criteria: Modified ACMG Guidelines (Unpublished). Collection method: clinical testing. Allele origin: germline.
Comment: The NC_012920.1:m.12285T>C variant in MT-TL2 gene is interpreted to be a Benign variant based on the modified ACMG guidelines (unpublished). This variant meets the following evidence codes reported in the guidelines: BS1, BS2, BP4

Literature cited by the submitters: PubMed 31965079.